The following is an entry in ClinVar:

ClinVar aggregate classification (germline): Likely benign (1 of 4 stars; one submission).

Conditions:
GSN-related disorder. Also called: GSN-related condition.

gnomAD v4.1: 4 of 1,613,906 alleles (0.00025%); highest among the groups gnomAD compares: Non-Finnish European, 0.00034%; no homozygotes.

Submission:

PreventionGenetics, part of Exact Sciences
Classification: Likely benign for GSN-related condition. Last evaluated: 2026-08-05. Review status: criteria provided, single submitter. Criteria: ACMG Guidelines, 2015. Collection method: clinical testing. Allele origin: germline.
Comment: This variant is classified as likely benign based on ACMG/AMP sequence variant interpretation guidelines (Richards et al. 2015 PMID: 25741868, with internal and published modifications).

NM_198252.3(GSN):c.1192-4G>A

Gene: GSN (gelsolin; plus strand). Cytogenetic location: 9q33.2.
Variant type: single nucleotide variant.
Coding change: c.1192-4G>A on transcript NM_198252.3 (MANE Select); 4 bases into the intron before coding-DNA position 1192, G replaced by A.
Molecular consequence: intron variant.
Genome position (GRCh38, 1-based): chr9:121,321,264, G>A. VCF-style: chr9-121321264-G-A. GRCh37 (hg19) VCF-style: chr9-124083542-G-A.
Other names: c.1192-4G>A (NM_001353054.1, NM_001353053.1, NM_001353060.2 and 10 more transcripts); c.1225-4G>A (NM_001353064.2, NM_001353066.2, NM_001353073.2 and 13 more transcripts); c.1300-4G>A (NM_001127663.2); c.1264-4G>A (NM_001353076.2); c.538-4G>A (NM_001353078.2); c.1243-4G>A (NM_001258029.2); c.1216-4G>A (NM_001258030.2); c.1345-4G>A (NM_000177.5).
Identifiers: ClinVar variation 4987371 (VCV004987371.1).